The following is an entry in ClinVar:

ClinVar aggregate classification (germline): Conflicting classifications of pathogenicity. Review status: criteria provided, conflicting classifications (1 of 4 stars). 4 submissions from 4 submitters: Likely pathogenic (2); Uncertain significance (2). Last evaluated 2026-01-21.

Conditions:
Monogenic hearing loss.
Cone-rod dystrophy and hearing loss 2 (CRDHL2). Identifiers: MedGen C5193051, MONDO:0020780, OMIM 618358.

Allele frequency attached by ClinVar (database versions not stated): ESP Exome Variant Server 0.00008; ExAC 0.00023; gnomAD exomes 0.00030; gnomAD 0.00058 and 0.00059; TOPMed 0.00060.
gnomAD v4.1: 526 of 1,608,214 alleles (0.033%); highest among the groups gnomAD compares: Admixed American, 0.16%; no homozygotes.

Submissions (4):

Labcorp Genetics (formerly Invitae), Labcorp
Classification: Likely pathogenic. Last evaluated: 2026-01-21. Review status: criteria provided, single submitter. Criteria: Invitae Variant Classification Sherloc (09022015). Collection method: clinical testing. Allele origin: germline.
Comment: This sequence change affects an acceptor splice site in intron 7 of the CEP250 gene. It is expected to disrupt RNA splicing. Variants that disrupt the donor or acceptor splice site typically lead to a loss of protein function (PMID: 16199547), and loss-of-function variants in CEP250 are known to be pathogenic (PMID: 24780881, 29718797). This variant is present in population databases (rs200083040, gnomAD 0.1%). This variant has not been reported in the literature in individuals affected with CEP250-related conditions. ClinVar contains an entry for this variant (Variation ID: 843731). Algorithms developed to predict the effect of sequence changes on RNA splicing suggest that this variant may disrupt the consensus splice site. In summary, the currently available evidence indicates that the variant is pathogenic, but additional data are needed to prove that conclusively. Therefore, this variant has been classified as Likely Pathogenic.

Genetics Laboratory, Great Ormond Street Hospital NHS Foundation Trust, North Thames Genomic Laboratory Hub
Classification: Uncertain significance for Monogenic hearing loss. Last evaluated: 2025-10-09. Review status: criteria provided, single submitter. Criteria: ACGS Best Practice Guidelines for Variant Classification in Rare Disease 2024 v1.2. Collection method: clinical testing. Allele origin: germline. Affected: yes.
Comment: PVS1_very-strong

Blueprint Genetics
Classification: Uncertain significance. Last evaluated: 2024-06-07. Review status: criteria provided, single submitter. Criteria: ACMG Guidelines, 2015. Collection method: clinical testing. Allele origin: germline.

Department of Pathology and Laboratory Medicine, Sinai Health System
Classification: Likely pathogenic for Cone-rod dystrophy and hearing loss 2. Last evaluated: 2023-03-30. Review status: criteria provided, single submitter. Criteria: ACMG Guidelines, 2015. Collection method: research. Allele origin: germline.

Literature cited by the submitters: PubMed 16199547 (cited by Labcorp Genetics (formerly Invitae), Labcorp); PubMed 24780881 (cited by Labcorp Genetics (formerly Invitae), Labcorp); PubMed 29718797 (cited by Labcorp Genetics (formerly Invitae), Labcorp).

NM_007186.6(CEP250):c.493-1G>A

Gene: CEP250 (centrosomal protein 250; plus strand). Cytogenetic location: 20q11.22.
Variant type: single nucleotide variant.
Coding change: c.493-1G>A on transcript NM_007186.6 (MANE Select); the canonical splice acceptor site of the intron before coding-DNA position 493, G replaced by A.
Molecular consequence: splice acceptor variant.
Genome position (GRCh38, 1-based): chr20:35,466,965, G>A. VCF-style: chr20-35466965-G-A. GRCh37 (hg19) VCF-style: chr20-34054790-G-A.
Other names: c.-1407-1G>A (NM_001318219.1).
Identifiers: ClinVar variation 843731 (VCV000843731.11), dbSNP rs200083040, ClinGen allele CA9832631.